The following is an entry in ClinVar:

NM_015459.5(ATL3):c.711+1G>T

Genes: ATL3 (atlastin GTPase 3; minus strand), LNCROPM (lncRNA regulator of PLAAT3 mediated phospholipid metabolism; plus strand). Cytogenetic location: 11q13.1.
Variant type: single nucleotide variant.
Coding change: c.711+1G>T on transcript NM_015459.5 (MANE Select); the canonical splice donor site of the intron after coding-DNA position 711, G replaced by T.
Molecular consequence: splice donor variant.
Genome position (GRCh38, 1-based): chr11:63,644,168, C>A on the plus strand (G>T on the coding strand, the complement: ATL3 is on the minus strand). VCF-style: chr11-63644168-C-A. GRCh37 (hg19) VCF-style: chr11-63411640-C-A.
Other names: c.657+1G>T (NM_001290048.2).
Identifiers: ClinVar variation 958151 (VCV000958151.7), dbSNP rs760937113, ClinGen allele CA6063712.

ClinVar aggregate classification (germline): Uncertain significance. Review status: criteria provided, multiple submitters, no conflicts (2 of 4 stars). 2 submissions from 2 submitters: Uncertain significance (2). Last evaluated 2024-10-30.

Conditions:
Neuropathy, hereditary sensory, type 1F. Also called: Hereditary sensory neuropathy type IF; HSN IF. Identifiers: Orphanet 36386, MedGen C3810194, MONDO:0014286, OMIM 615632.

Allele frequency attached by ClinVar (database versions not stated): gnomAD exomes below 0.00001 and 0.00001; ExAC 0.00002; TOPMed 0.00010; gnomAD 0.00012 and 0.00013.
gnomAD v4.1: 20 of 1,588,056 alleles (0.0013%); highest among the groups gnomAD compares: African/African-American, 0.027%; no homozygotes.

Submissions (2):

Labcorp Genetics (formerly Invitae), Labcorp
Classification: Uncertain significance for Neuropathy, hereditary sensory, type 1F. Last evaluated: 2024-10-30. Review status: criteria provided, single submitter. Criteria: Invitae Variant Classification Sherloc (09022015). Collection method: clinical testing. Allele origin: germline.
Comment: This sequence change affects a donor splice site in intron 7 of the ATL3 gene. It is expected to disrupt RNA splicing. Variants that disrupt the donor or acceptor splice site typically lead to a loss of protein function (PMID: 16199547), however the current clinical and genetic evidence is not sufficient to establish whether loss-of-function variants in ATL3 cause disease. This variant is present in population databases (rs760937113, gnomAD 0.03%). This variant has not been reported in the literature in individuals affected with ATL3-related conditions. ClinVar contains an entry for this variant (Variation ID: 958151). Algorithms developed to predict the effect of sequence changes on RNA splicing suggest that this variant may disrupt the consensus splice site. In summary, the available evidence is currently insufficient to determine the role of this variant in disease. Therefore, it has been classified as a Variant of Uncertain Significance.

Mayo Clinic Laboratories, Mayo Clinic
Classification: Uncertain significance. Last evaluated: 2024-04-05. Review status: criteria provided, single submitter. Criteria: ACMG Guidelines, 2015. Collection method: clinical testing. Allele origin: germline. Observed: 1 variant allele.
Comment: PVS1_moderate

Literature cited by the submitters: PubMed 16199547 (cited by Labcorp Genetics (formerly Invitae), Labcorp).